The following is an entry in ClinVar:

NM_015450.3(POT1):c.1211G>T (p.Gly404Val)

Gene: POT1 (protection of telomeres 1; minus strand). Cytogenetic location: 7q31.33.
Variant type: single nucleotide variant.
Coding change: c.1211G>T on transcript NM_015450.3 (MANE Select); coding-DNA position 1211, G replaced by T.
Protein change: p.Gly404Val; replaces glycine 404 with valine.
Molecular consequence: missense variant. On other transcripts: non-coding transcript variant (3).
Genome position (GRCh38, 1-based): chr7:124,841,131, C>A on the plus strand (G>T on the coding strand, the complement: POT1 is on the minus strand). VCF-style: chr7-124841131-C-A. GRCh37 (hg19) VCF-style: chr7-124481185-C-A.
Other names: p.Gly404Val; c.818G>T, p.Gly273Val (NM_001042594.2); short protein forms G404V, G273V.
Identifiers: ClinVar variation 475029 (VCV000475029.52), dbSNP rs35536751, ClinGen allele CA4465186.

ClinVar aggregate classification (germline): Benign/Likely benign. Review status: criteria provided, multiple submitters, no conflicts (2 of 4 stars). 13 submissions from 13 submitters: Benign (10); Likely benign (1). 2 of the submissions do not count toward it. Last evaluated 2026-09-01.

Conditions:
Hereditary cancer-predisposing syndrome. Also called: Hereditary neoplastic syndrome; Tumor predisposition; Neoplastic Syndromes, Hereditary; Hereditary Cancer Syndrome. Identifiers: Orphanet 140162, MedGen C0027672, MeSH D009386, MONDO:0015356.
Tumor predisposition syndrome 3 (TPDS3). Also called: LONG TELOMERE SYNDROME, POT1-RELATED; POT1 Tumor Predisposition; Melanoma, cutaneous malignant, susceptibility to, 10; Glioma susceptibility 9. Identifiers: Orphanet 618, MedGen C4014476, MONDO:0014368, OMIM 615848.

Allele frequency attached by ClinVar (database versions not stated): 1000 Genomes Project 0.00519; 1000 Genomes Project 30x 0.00578; TOPMed 0.01011; ESP Exome Variant Server 0.01169; gnomAD exomes 0.01432.
gnomAD v4.1: 22,622 of 1,612,590 alleles (1.4%); highest among the groups gnomAD compares: Middle Eastern, 1.7%; 242 homozygotes.

Submissions (13):

CeGaT Center for Human Genetics Tuebingen
Classification: Benign. Last evaluated: 2026-09-01. Review status: criteria provided, single submitter. Criteria: CeGaT Center For Human Genetics Tuebingen Variant Classification Criteria Version 2. Collection method: clinical testing. Allele origin: germline. Affected: yes. Observed: 77 variant alleles.
Comment: POT1: BP4, BS1, BS2

Labcorp Genetics (formerly Invitae), Labcorp
Classification: Benign for Tumor predisposition syndrome 3. Last evaluated: 2026-02-04. Review status: criteria provided, single submitter. Criteria: Invitae Variant Classification Sherloc (09022015). Collection method: clinical testing. Allele origin: germline.

Dasa
Classification: Likely benign. Last evaluated: 2025-10-29. Review status: criteria provided, single submitter. Criteria: DASA Assertion Criteria. Collection method: clinical testing. Allele origin: germline.
Comment: NM_015450.3(POT1):c.1211G>T (p.Gly404Val) is a missense variant that results in the substitution of glycine with valine. Population frequency is inconsistent with a disease-causing role for this variant, and observations in unaffected individuals support a benign interpretation. Computational prediction algorithms are consistent with a benign effect. Therefore, based on the currently available evidence, this variant is classified as likely benign.

ARUP Laboratories, Molecular Genetics and Genomics, ARUP Laboratories
Classification: Benign. Last evaluated: 2025-07-08. Review status: criteria provided, single submitter. Criteria: ARUP Molecular Germline Variant Investigation Process 2024. Collection method: clinical testing. Allele origin: germline.

Quest Diagnostics Nichols Institute San Juan Capistrano
Classification: Benign. Last evaluated: 2025-04-10. Review status: criteria provided, single submitter. Criteria: Quest Diagnostics criteria. Collection method: clinical testing. Allele origin: unknown.

Center for Genomic Medicine, Rigshospitalet, Copenhagen University Hospital
Classification: Benign. Last evaluated: 2025-03-04. Review status: criteria provided, single submitter. Criteria: ACMG Guidelines, 2015. Collection method: clinical testing. Allele origin: germline.

Mayo Clinic Laboratories, Mayo Clinic
Classification: Benign. Last evaluated: 2024-10-21. Review status: criteria provided, single submitter. Criteria: ACMG Guidelines, 2015. Collection method: clinical testing. Allele origin: germline. Observed: 14 variant alleles.
Comment: BA1, BS2

Department of Pathology and Laboratory Medicine, Sinai Health System
Classification: Benign for Tumor predisposition syndrome 3. Last evaluated: 2021-08-05. Review status: criteria provided, single submitter. Criteria: ACMG Guidelines, 2015. Collection method: clinical testing. Allele origin: germline. Affected: yes.

GeneDx
Classification: Benign. Last evaluated: 2017-12-28. Review status: criteria provided, single submitter. Criteria: GeneDx Variant Classification (06012015). Collection method: clinical testing. Allele origin: germline. Affected: yes.
Comment: This variant is considered likely benign or benign based on one or more of the following criteria: it is a conservative change, it occurs at a poorly conserved position in the protein, it is predicted to be benign by multiple in silico algorithms, and/or has population frequency not consistent with disease.

Ambry Genetics
Classification: Benign for Hereditary cancer-predisposing syndrome. Last evaluated: 2016-12-14. Review status: criteria provided, single submitter. Criteria: Ambry Variant Classification Scheme 2023. Collection method: clinical testing. Allele origin: germline.

Breakthrough Genomics
Classification: Benign. Review status: criteria provided, single submitter. Criteria: ACMG Guidelines, 2015. Collection method: not provided. Allele origin: germline. Inheritance: Autosomal dominant inheritance. Affected: yes.

Genome Diagnostics Laboratory, Amsterdam University Medical Center
Classification: Benign. Review status: no assertion criteria provided. Collection method: clinical testing. Allele origin: germline. Affected: yes. Study: VKGL Data-share Consensus. Not counted in ClinVar's aggregate classification.

Laboratory of Diagnostic Genome Analysis, Leiden University Medical Center (LUMC)
Classification: Benign. Review status: no assertion criteria provided. Collection method: clinical testing. Allele origin: germline. Affected: yes. Study: VKGL Data-share Consensus. Not counted in ClinVar's aggregate classification.

Literature cited by the submitters: PubMed 29523635 (cited by Quest Diagnostics Nichols Institute San Juan Capistrano); PubMed 19461895 (cited by Quest Diagnostics Nichols Institute San Juan Capistrano).